The following is an entry in ClinVar:

NM_020821.3(VPS13C):c.623_624+1del

Gene: VPS13C (vacuolar protein sorting 13 homolog C; minus strand). Cytogenetic location: 15q22.2.
Variant type: Microsatellite.
Coding change: c.623_624+1del on transcript NM_020821.3 (MANE Select); coding-DNA position 623 through the canonical splice donor site of the intron after coding-DNA position 624, 3 bases deleted (ATG; older notation c.623_624+1delATG).
Molecular consequence: splice donor variant.
Genome position (GRCh38, 1-based): chr15:62,023,410-62,023,412, CAT deleted on the plus strand (ATG on the coding strand, the reverse complement: VPS13C is on the minus strand); deleting any 3 consecutive bases within chr15:62,023,410-62,023,416 gives the same sequence; the c. name uses the placement nearest the transcript's 3' end. VCF-style (leftmost placement, unchanged base first): chr15-62023409-ACAT-A. GRCh37 (hg19) VCF-style: chr15-62315608-ACAT-A.
Other names: c.494_495+1del (NM_017684.5, NM_018080.4); c.623_624+1del (NM_001018088.3).
Identifiers: ClinVar variation 2084509 (VCV002084509.4), dbSNP rs749395696, ClinGen allele CA7597460.
Genomic context (GRCh38, chr15:62,023,409, plus strand): 5'-AAAGTCAAGAATATTATAAAATACATATTTAATTATTAACTGAGTAAATAAAAATTACTT[ACAT>A]CATCTTCATATTTAATGTGAATATCTGTGATTTTTACTTGTACATTTTTTATTACTTGAG-3'

ClinVar aggregate classification (germline): Uncertain significance (1 of 4 stars; one submission).

Submission:

Labcorp Genetics (formerly Invitae), Labcorp
Classification: Uncertain significance. Last evaluated: 2022-08-16. Review status: criteria provided, single submitter. Criteria: Invitae Variant Classification Sherloc (09022015). Collection method: clinical testing. Allele origin: germline.
Comment: Algorithms developed to predict the effect of sequence changes on RNA splicing suggest that this variant may disrupt the consensus splice site. In summary, the available evidence is currently insufficient to determine the role of this variant in disease. Therefore, it has been classified as a Variant of Uncertain Significance. This variant has not been reported in the literature in individuals affected with VPS13C-related conditions. This variant results in the deletion of part of exon 8 of the VPS13C gene. It is expected to disrupt RNA splicing. Variants that disrupt the donor or acceptor splice site typically lead to a loss of protein function (PMID: 16199547), however the current clinical and genetic evidence is not sufficient to establish whether loss-of-function variants in VPS13C cause disease. This variant is present in population databases (rs749395696, gnomAD 0.004%).

Literature cited by the submitters: PubMed 16199547.